The following is an entry in ClinVar:

ClinVar aggregate classification (germline): Benign/Likely benign. Review status: criteria provided, multiple submitters, no conflicts (2 of 4 stars). 3 submissions from 3 submitters: Benign (2); Likely benign (1). Last evaluated 2025-08-08.

Allele frequency attached by ClinVar (database versions not stated): gnomAD 0.00166; TOPMed 0.00214; 1000 Genomes Project 30x 0.00453; ESP Exome Variant Server 0.00077; 1000 Genomes Project 0.00499.
gnomAD v4.1: 2,351 of 1,613,912 alleles (0.15%); highest among the groups gnomAD compares: East Asian, 3.7%; 42 homozygotes.

Submissions (3):

Mayo Clinic Laboratories, Mayo Clinic
Classification: Benign. Last evaluated: 2025-08-08. Review status: criteria provided, single submitter. Criteria: ACMG Guidelines, 2015. Collection method: clinical testing. Allele origin: germline. Observed: 1 variant allele.
Comment: BA1

Labcorp Genetics (formerly Invitae), Labcorp
Classification: Benign. Last evaluated: 2019-12-31. Review status: criteria provided, single submitter. Criteria: Invitae Variant Classification Sherloc (09022015). Collection method: clinical testing. Allele origin: germline.

GeneDx
Classification: Likely benign. Last evaluated: 2019-11-06. Review status: criteria provided, single submitter. Criteria: GeneDx Variant Classification Process June 2021. Collection method: clinical testing. Allele origin: germline. Affected: yes.
Comment: This variant is associated with the following publications: (PMID: 31386585)

NM_001199563.2(POPDC1):c.385C>T (p.Arg129Trp)

Gene: POPDC1 (popeye domain cAMP effector 1; minus strand). Cytogenetic location: 6q21.
Variant type: single nucleotide variant.
Coding change: c.385C>T on transcript NM_001199563.2 (MANE Select); coding-DNA position 385, C replaced by T.
Protein change: p.Arg129Trp; replaces arginine 129 with tryptophan.
Molecular consequence: missense variant.
Genome position (GRCh38, 1-based): chr6:105,125,545, G>A on the plus strand (C>T on the coding strand, the complement: POPDC1 is on the minus strand). VCF-style: chr6-105125545-G-A. GRCh37 (hg19) VCF-style: chr6-105573420-G-A.
Other names: p.Arg129Trp; c.385C>T, p.Arg129Trp (NM_007073.4, NM_147147.4); short protein forms R129W.
Identifiers: ClinVar variation 778247 (VCV000778247.7), dbSNP rs2275289, ClinGen allele CA3941069.
Genomic context (GRCh38, chr6:105,125,545, plus strand): 5'-ACTGTCCAGTTAGTCTTCTGAACAAATCTGGAGGCACACGGAGTGGTTCAAACAATCGCC[G>A]GTACATGCCACTGAGTTCCTTTTCAATCTTTACCTGAAATGCAGCAATGACTAGATGCTT-3'
Protein context (NP_001186492.1, residues 119-139): KIEKELSGMY[Arg129Trp]RLFEPLRVPP